The following is an entry in ClinVar:

ClinVar aggregate classification (germline): Uncertain significance. Review status: criteria provided, multiple submitters, no conflicts (2 of 4 stars). 2 submissions from 2 submitters: Uncertain significance (2). Last evaluated 2024-10-08.

Conditions:
Alstrom syndrome (ALMS). Identifiers: Orphanet 64, MedGen C0268425, MONDO:0008763, OMIM 203800.
Cardiovascular phenotype. Identifiers: MedGen CN230736.

Allele frequency attached by ClinVar (database versions not stated): gnomAD exomes 0.00001 and 0.00002; ExAC 0.00002.
gnomAD v4.1: 12 of 1,614,076 alleles (0.00074%); highest among the groups gnomAD compares: South Asian, 0.012%; no homozygotes.

Submissions (2):

Labcorp Genetics (formerly Invitae), Labcorp
Classification: Uncertain significance for Alstrom syndrome. Last evaluated: 2024-10-08. Review status: criteria provided, single submitter. Criteria: Invitae Variant Classification Sherloc (09022015). Collection method: clinical testing. Allele origin: germline.
Comment: This sequence change replaces serine, which is neutral and polar, with cysteine, which is neutral and slightly polar, at codon 2908 of the ALMS1 protein (p.Ser2908Cys). This variant is present in population databases (rs747291259, gnomAD 0.02%). This variant has not been reported in the literature in individuals affected with ALMS1-related conditions. ClinVar contains an entry for this variant (Variation ID: 1433740). Experimental studies and prediction algorithms are not available or were not evaluated, and the functional significance of this variant is currently unknown. In summary, the available evidence is currently insufficient to determine the role of this variant in disease. Therefore, it has been classified as a Variant of Uncertain Significance.

Ambry Genetics
Classification: Uncertain significance for Cardiovascular phenotype. Last evaluated: 2020-12-15. Review status: criteria provided, single submitter. Criteria: Ambry Variant Classification Scheme 2023. Collection method: clinical testing. Allele origin: germline.
Comment: The p.S2908C variant (also known as c.8723C>G), located in coding exon 10 of the ALMS1 gene, results from a C to G substitution at nucleotide position 8723. The serine at codon 2908 is replaced by cysteine, an amino acid with dissimilar properties. This amino acid position is poorly conserved in available vertebrate species. In addition, this alteration is predicted to be tolerated by in silico analysis. Since supporting evidence is limited at this time, the clinical significance of this alteration remains unclear.

NM_001378454.1(ALMS1):c.8720C>G (p.Ser2907Cys)

Gene: ALMS1 (ALMS1 centrosome and basal body associated protein; plus strand). Cytogenetic location: 2p13.1.
Variant type: single nucleotide variant.
Coding change: c.8720C>G on transcript NM_001378454.1 (MANE Select); coding-DNA position 8720, C replaced by G.
Protein change: p.Ser2907Cys; replaces serine 2907 with cysteine.
Molecular consequence: missense variant.
Genome position (GRCh38, 1-based): chr2:73,490,679, C>G. VCF-style: chr2-73490679-C-G. GRCh37 (hg19) VCF-style: chr2-73717806-C-G.
Other names: c.8723C>G, p.Ser2908Cys (NM_015120.4); short protein forms S2908C, S2907C.
Identifiers: ClinVar variation 1433740 (VCV001433740.7), dbSNP rs747291259, ClinGen allele CA1714526.